The following is an entry in ClinVar:

ClinVar aggregate classification (germline): Uncertain significance (1 of 4 stars; one submission).

Conditions:
Hereditary cancer-predisposing syndrome. Also called: Tumor predisposition; Neoplastic Syndromes, Hereditary; Hereditary neoplastic syndrome; Hereditary Cancer Syndrome. Identifiers: Orphanet 140162, MedGen C0027672, MeSH D009386, MONDO:0015356.

Submission:

Ambry Genetics
Classification: Uncertain significance for Hereditary cancer-predisposing syndrome. Last evaluated: 2024-12-01. Review status: criteria provided, single submitter. Criteria: Ambry Variant Classification Scheme 2023. Collection method: clinical testing. Allele origin: germline.
Comment: The p.Q139E variant (also known as c.415C>G), located in coding exon 3 of the TMEM127 gene, results from a C to G substitution at nucleotide position 415. The glutamine at codon 139 is replaced by glutamic acid, an amino acid with highly similar properties. This amino acid position is conserved. In addition, the in silico prediction for this alteration is inconclusive. Based on the available evidence, the clinical significance of this variant remains unclear.

NM_017849.4(TMEM127):c.415C>G (p.Gln139Glu)

Gene: TMEM127 (transmembrane protein 127; minus strand). Cytogenetic location: 2q11.2.
Variant type: single nucleotide variant.
Coding change: c.415C>G on transcript NM_017849.4 (MANE Select); coding-DNA position 415, C replaced by G.
Protein change: p.Gln139Glu; replaces glutamine 139 with glutamic acid.
Molecular consequence: missense variant.
Genome position (GRCh38, 1-based): chr2:96,254,110, G>C on the plus strand (C>G on the coding strand, the complement: TMEM127 is on the minus strand). VCF-style: chr2-96254110-G-C. GRCh37 (hg19) VCF-style: chr2-96919848-G-C.
Other names: c.415C>G, p.Gln139Glu (NM_001193304.3); c.163C>G, p.Gln55Glu (NM_001407282.1, NM_001407283.1); short protein forms Q139E, Q55E.
Identifiers: ClinVar variation 3457616 (VCV003457616.1).